The following is an entry in ClinVar:

NM_033380.3(COL4A5):c.893G>A (p.Gly298Asp)

Gene: COL4A5 (collagen type IV alpha 5 chain; plus strand). Cytogenetic location: Xq22.3.
Variant type: single nucleotide variant.
Coding change: c.893G>A on transcript NM_033380.3 (MANE Select); coding-DNA position 893, G replaced by A.
Protein change: p.Gly298Asp; replaces glycine 298 with aspartic acid.
Molecular consequence: missense variant.
Genome position (GRCh38, 1-based): chrX:108,580,984, G>A. VCF-style: chrX-108580984-G-A. GRCh37 (hg19) VCF-style: chrX-107824214-G-A.
Other names: c.893G>A, p.Gly298Asp (NM_000495.5); short protein forms G298D.
Identifiers: ClinVar variation 2200158 (VCV002200158.5), dbSNP rs1569491068, ClinGen allele CA413926716.

ClinVar aggregate classification (germline): Pathogenic/Likely pathogenic. Review status: criteria provided, multiple submitters, no conflicts (2 of 4 stars). 2 submissions from 2 submitters: Pathogenic (1); Likely pathogenic (1). Last evaluated 2022-04-07.

Conditions:
COL4A5-related disorders.

Submissions (2):

Labcorp Genetics (formerly Invitae), Labcorp
Classification: Pathogenic. Last evaluated: 2022-04-07. Review status: criteria provided, single submitter. Criteria: Invitae Variant Classification Sherloc (09022015). Collection method: clinical testing. Allele origin: germline.
Comment: For these reasons, this variant has been classified as Pathogenic. This variant disrupts the triple helix domain of COL4A5. Glycine residues within the Gly-Xaa-Yaa repeats of the triple helix domain are required for the structure and stability of fibrillar collagens (PMID: 7695699, 8218237, 19344236). In COL4A5, missense variants at these glycine residues are significantly enriched in individuals with disease (PMID: 23720012, 27627812) compared to the general population (ExAC). Algorithms developed to predict the effect of missense changes on protein structure and function are either unavailable or do not agree on the potential impact of this missense change (SIFT: "Deleterious"; PolyPhen-2: "Not Available"; Align-GVGD: "Class C0"). This missense change has been observed in individuals with clinical features of Alport syndrome (PMID: 24304881; Invitae). This variant is not present in population databases (gnomAD no frequency). This sequence change replaces glycine, which is neutral and non-polar, with aspartic acid, which is acidic and polar, at codon 298 of the COL4A5 protein (p.Gly298Asp).

Blueprint Genetics
Classification: Likely pathogenic for COL4A5-related disorders. Last evaluated: 2018-08-28. Review status: criteria provided, single submitter. Criteria: ACMG Guidelines, 2015. Collection method: clinical testing. Allele origin: germline. Affected: yes. Observed: 1 variant allele.

Literature cited by the submitters: PubMed 7695699 (cited by Labcorp Genetics (formerly Invitae), Labcorp); PubMed 8218237 (cited by Labcorp Genetics (formerly Invitae), Labcorp); PubMed 19344236 (cited by Labcorp Genetics (formerly Invitae), Labcorp); PubMed 23720012 (cited by Labcorp Genetics (formerly Invitae), Labcorp); PubMed 27627812 (cited by Labcorp Genetics (formerly Invitae), Labcorp); PubMed 24304881 (cited by Labcorp Genetics (formerly Invitae), Labcorp).